The following is an entry in ClinVar:

NM_000478.6(ALPL):c.-195C>T

Gene: ALPL (alkaline phosphatase, biomineralization associated; plus strand). Cytogenetic location: 1p36.12.
Variant type: single nucleotide variant.
Coding change: c.-195C>T on transcript NM_000478.6 (MANE Select); 195 bases upstream of the start codon, C replaced by T.
Molecular consequence: 5 prime UTR variant. On other transcripts: intron variant (2).
Genome position (GRCh38, 1-based): chr1:21,509,427, C>T. VCF-style: chr1-21509427-C-T. GRCh37 (hg19) VCF-style: chr1-21835920-C-T.
Other names: c.-195C>T (NM_001127501.4); c.-145C>T (NM_001177520.3); c.-105+316C>T (NM_001369805.2); c.-105+351C>T (NM_001369804.2).
Identifiers: ClinVar variation 4086793 (VCV004086793.1).

ClinVar aggregate classification (germline): Uncertain significance (1 of 4 stars; one submission).

Conditions:
Hypophosphatasia. Also called: Phosphoethanol-aminuria. Identifiers: Orphanet 436, MedGen C0020630, MeSH D007014, MONDO:0018570.

Submission:

Genomenon, Inc
Classification: Uncertain significance for Hypophosphatasia. Last evaluated: 2025-08-29. Review status: criteria provided, single submitter. Criteria: Genomenon Sequence Variant Interpretation Standards. Collection method: curation. Allele origin: germline. Affected: yes.
Comment: ALPL c.-195C>T is a variant located in the 5′ untranslated region (5′ UTR). This variant was identified in the parent of a proband with perinatal hypophosphatasia;however, it's presence in the proband was not able to be confirmed (PMID:10679946). It is absent or not present at a significant frequency in gnomAD. In conclusion, we classify ALPL c.-195C>T as a variant of unknown significance.

Literature cited by the submitters: PubMed 10679946.